The following is an entry in ClinVar:

ClinVar aggregate classification (germline): Conflicting classifications of pathogenicity. Review status: criteria provided, conflicting classifications (1 of 4 stars). 14 submissions from 14 submitters: Uncertain significance (2); Benign (5); Likely benign (6). 1 of the submissions does not count toward it. Last evaluated 2026-08-01.

Conditions:
Hereditary cancer-predisposing syndrome. Also called: Hereditary neoplastic syndrome; Hereditary Cancer Syndrome; Neoplastic Syndromes, Hereditary; Tumor predisposition. Identifiers: Orphanet 140162, MedGen C0027672, MeSH D009386, MONDO:0015356.
Carcinoma of colon (CRC). Also called: Colonic carcinoma; Colon carcinoma. Identifiers: MedGen C0699790, MONDO:0002032.

Allele frequency attached by ClinVar (database versions not stated): gnomAD 0.00220 and 0.00240; TOPMed 0.00239; 1000 Genomes Project 0.00240; 1000 Genomes Project 30x 0.00281; gnomAD exomes 0.00022 and 0.00057; ExAC 0.00065; ESP Exome Variant Server 0.00192.
gnomAD v4.1: 679 of 1,613,960 alleles (0.042%); highest among the groups gnomAD compares: African/African-American, 0.8%; 5 homozygotes.

Submissions (14):

CeGaT Center for Human Genetics Tuebingen
Classification: Likely benign. Last evaluated: 2026-08-01. Review status: criteria provided, single submitter. Criteria: CeGaT Center For Human Genetics Tuebingen Variant Classification Criteria Version 2. Collection method: clinical testing. Allele origin: germline. Affected: yes. Observed: 1 variant allele.
Comment: POLE: BP4, BS2

Labcorp Genetics (formerly Invitae), Labcorp
Classification: Benign. Last evaluated: 2026-02-03. Review status: criteria provided, single submitter. Criteria: Invitae Variant Classification Sherloc (09022015). Collection method: clinical testing. Allele origin: germline.

Dasa
Classification: Likely benign. Last evaluated: 2025-12-04. Review status: criteria provided, single submitter. Criteria: DASA Assertion Criteria. Collection method: clinical testing. Allele origin: germline.
Comment: NM_006231.4(POLE):c.4184A>G (p.Tyr1395Cys) is a missense variant that results in the substitution of tyrosine with cysteine. Population frequency is inconsistent with a disease-causing role for this variant, and observations in unaffected individuals support a benign interpretation. Computational prediction algorithms are consistent with a benign effect. Therefore, based on the currently available evidence, this variant is classified as likely benign.

Center for Genomic Medicine, Rigshospitalet, Copenhagen University Hospital
Classification: Uncertain significance. Last evaluated: 2025-03-04. Review status: criteria provided, single submitter. Criteria: ACMG Guidelines, 2015. Collection method: clinical testing. Allele origin: germline.

Blueprint Genetics
Classification: Likely benign. Last evaluated: 2024-10-16. Review status: criteria provided, single submitter. Criteria: ACMG Guidelines, 2015. Collection method: clinical testing. Allele origin: germline.

ARUP Laboratories, Molecular Genetics and Genomics, ARUP Laboratories
Classification: Likely benign. Last evaluated: 2024-07-22. Review status: criteria provided, single submitter. Criteria: ARUP Molecular Germline Variant Investigation Process 2024. Collection method: clinical testing. Allele origin: germline.

Ambry Genetics
Classification: Benign for Hereditary cancer-predisposing syndrome. Last evaluated: 2024-07-08. Review status: criteria provided, single submitter. Criteria: Ambry Variant Classification Scheme 2023. Collection method: clinical testing. Allele origin: germline.

Genetic Services Laboratory, University of Chicago
Classification: Likely benign. Last evaluated: 2021-11-29. Review status: criteria provided, single submitter. Criteria: ACMG Guidelines, 2015. Collection method: clinical testing. Allele origin: germline. Affected: no.

Sema4
Classification: Benign for Hereditary cancer-predisposing syndrome. Last evaluated: 2020-10-31. Review status: criteria provided, single submitter. Criteria: Sema4 Curation Guidelines. Collection method: curation. Allele origin: germline.

Women's Health and Genetics/Laboratory Corporation of America, LabCorp
Classification: Benign. Last evaluated: 2018-07-13. Review status: criteria provided, single submitter. Criteria: LabCorp Variant Classification Summary - May 2015. Collection method: clinical testing. Allele origin: germline.
Comment: Variant summary: POLE c.4184A>G (p.Tyr1395Cys) results in a non-conservative amino acid change in the encoded protein sequence. Three of five in-silico tools predict a benign effect of the variant on protein function. The variant allele was found at a frequency of 0.00074 in 277082 control chromosomes in the gnomAD database, including 1 homozygotes. The observed variant frequency is approximately 52-fold of the estimated maximal expected allele frequency for a pathogenic variant in POLE causing Colorectal Cancer phenotype (1.4e-05), strongly suggesting that the variant is benign. To our knowledge, no occurrence of c.4184A>G in individuals affected with Colorectal Cancer and no experimental evidence demonstrating its impact on protein function have been reported. Three clinical diagnostic laboratories have submitted clinical-significance assessments for this variant to ClinVar after 2014 without evidence for independent evaluation (2x likely benign/benign, 1x VUS). Based on the evidence outlined above, the variant was classified as benign.

GeneDx
Classification: Likely benign. Last evaluated: 2018-03-13. Review status: criteria provided, single submitter. Criteria: GeneDx Variant Classification (06012015). Collection method: clinical testing. Allele origin: germline. Affected: yes.
Comment: This variant is considered likely benign or benign based on one or more of the following criteria: it is a conservative change, it occurs at a poorly conserved position in the protein, it is predicted to be benign by multiple in silico algorithms, and/or has population frequency not consistent with disease.

PreventionGenetics, part of Exact Sciences
Classification: Benign. Last evaluated: 2017-10-13. Review status: criteria provided, single submitter. Criteria: ACMG Guidelines, 2015. Collection method: clinical testing. Allele origin: germline.

Quest Diagnostics Nichols Institute San Juan Capistrano
Classification: Uncertain significance. Last evaluated: 2017-01-12. Review status: criteria provided, single submitter. Criteria: Quest Diagnostics criteria. Collection method: clinical testing. Allele origin: germline.

Department of Pathology and Laboratory Medicine, Sinai Health System
Classification: Likely benign for Carcinoma of colon. Review status: no assertion criteria provided. Collection method: clinical testing. Allele origin: unknown. Affected: yes. Study: The Canadian Open Genetics Repository (COGR). Not counted in ClinVar's aggregate classification.
Comment: The POLE p.Tyr1395Cys variant was not identified in the literature. The variant was identified in dbSNP (ID: rs5744933) as "With other allele" and in ClinVar (classified as benign by Invitae and Prevention Genetics; as likely benign by GeneDx; and as uncertain significance by one submitter). The variant was identified in control databases in 206 of 277082 chromosomes (1 homozygous) at a frequency of 0.0007 (Genome Aggregation Database Feb 27, 2017). The variant was observed in the following populations: African in 189 of 24032 chromosomes (1 homozygous; freq: 0.008, increasing the likelihood this could be a low frequency benign variant), Other in 1 of 6466 chromosomes (freq: 0.0002), Latino in 15 of 34408 chromosomes (freq: 0.0004), European in 1 of 126596 chromosomes (freq: 0.000008), while the variant was not observed in the Ashkenazi Jewish, East Asian, Finnish, or South Asian populations. The p.Tyr1395 residue is conserved in mammals and computational analyses (PolyPhen-2, SIFT, AlignGVGD, BLOSUM, MutationTaster) provide inconsistent predictions regarding the impact to the protein; this information is not very predictive of pathogenicity. The variant occurs outside of the splicing consensus sequence and in silico or computational prediction software programs (SpliceSiteFinder, MaxEntScan, NNSPLICE, GeneSplicer) do not predict a difference in splicing. In summary, based on the above information, the clinical significance of this variant cannot be determined with certainty at this time although we would lean towards a more benign role for this variant. This variant is classified as likely benign.

Literature cited by the submitters: PubMed 15766587 (cited by Women's Health and Genetics/Laboratory Corporation of America, LabCorp).

NM_006231.4(POLE):c.4184A>G (p.Tyr1395Cys)

Gene: POLE (DNA polymerase epsilon, catalytic subunit; minus strand). Cytogenetic location: 12q24.33.
Variant type: single nucleotide variant.
Coding change: c.4184A>G on transcript NM_006231.4 (MANE Select); coding-DNA position 4184, A replaced by G.
Protein change: p.Tyr1395Cys; replaces tyrosine 1395 with cysteine.
Molecular consequence: missense variant.
Genome position (GRCh38, 1-based): chr12:132,643,943, T>C on the plus strand (A>G on the coding strand, the complement: POLE is on the minus strand). VCF-style: chr12-132643943-T-C. GRCh37 (hg19) VCF-style: chr12-133220529-T-C.
Other names: short protein forms Y1395C.
Identifiers: ClinVar variation 240505 (VCV000240505.29), dbSNP rs5744933, ClinGen allele CA6892950.
Genomic context (GRCh38, chr12:132,643,943, plus strand): 5'-TTGATCTCGTTGATGTGTTCCTGGTACATGTCCTCTGGCACTGAATACTCATAGAGATTG[T>C]AGACCATGTTGGAGCGAGGAAGGACCCGATTTACCTGGCGAGAATACGACGATGATCTCG-3'
Protein context (NP_006222.2, residues 1385-1405): NRVLPRSNMV[Tyr1395Cys]NLYEYSVPED